The following is an entry in ClinVar:

NM_001349338.3(FOXP1):c.260_263dup (p.Asp88delinsGluTer)

Gene: FOXP1 (forkhead box P1; minus strand). Cytogenetic location: 3p13.
Variant type: Duplication.
Coding change: c.260_263dup on transcript NM_001349338.3 (MANE Select); coding-DNA positions 260 to 263, 4 bases duplicated (ATGA; older notation c.260_263dupATGA).
Protein change: p.Asp88delinsGluTer.
Molecular consequence: nonsense. On other transcripts: 5 prime UTR variant (5), non-coding transcript variant (2).
Genome position (GRCh38, 1-based): chr3:71,112,555-71,112,558, TCAT duplicated on the plus strand (ATGA on the coding strand, the reverse complement: FOXP1 is on the minus strand); duplicating any 4 consecutive bases within chr3:71,112,555-71,112,560 gives the same sequence; the c. name uses the placement nearest the transcript's 3' end. VCF-style (leftmost placement, unchanged base first): chr3-71112554-G-GTCAT. GRCh37 (hg19) VCF-style: chr3-71161705-G-GTCAT.
Other names: c.260_263dup, p.Asp88delinsGluTer (NM_001244808.3, NM_001244810.2, NM_001244812.3 and 5 more transcripts); c.-41_-38dup (NM_001244815.2, NM_001349337.2, NM_001349342.3 and 2 more transcripts).
Identifiers: ClinVar variation 4837758 (VCV004837758.1).
Genomic context (GRCh38, chr3:71,112,554, plus strand): 5'-CAAAGGGTATAATGTCAATTTAAAAAGAAAAAGAATTGTTACCTGAAGAGCTGGTTGTTT[G>GTCAT]TCATTCCTCTTGGGAGATTTTAATCCACTAACTTGCTGCTGCTGTTGCTGCTGAAGAAGG-3'

ClinVar aggregate classification (germline): Pathogenic (1 of 4 stars; one submission).

Conditions:
Inborn genetic diseases. Identifiers: MedGen C0950123, MeSH D030342.

Submission:

Ambry Genetics
Classification: Pathogenic for Inborn genetic diseases. Last evaluated: 2025-12-30. Review status: criteria provided, single submitter. Criteria: Ambry Variant Classification Scheme 2023. Collection method: clinical testing. Allele origin: germline.
Comment: The c.260_263dupATGA (p.D88Efs*2) alteration, located in exon 7 (coding exon 2) of the FOXP1 gene, consists of a duplication of ATGA at position 260, causing a translational frameshift with a predicted alternate stop codon after 2 amino acids. This alteration is expected to result in loss of function by premature protein truncation or nonsense-mediated mRNA decay. This variant was not reported in population-based cohorts in the Genome Aggregation Database (gnomAD). Based on the available evidence, this alteration is classified as pathogenic.